The following is an entry in ClinVar:

ClinVar aggregate classification (germline): Uncertain significance (1 of 4 stars; one submission).

Conditions:
FHOD3-related disorder. Also called: FHOD3-related condition.

Submission:

PreventionGenetics, part of Exact Sciences
Classification: Uncertain significance for FHOD3-related condition. Last evaluated: 2025-09-19. Review status: criteria provided, single submitter. Criteria: ACMG Guidelines, 2015. Collection method: clinical testing. Allele origin: germline.
Comment: The FHOD3 c.2267_2268delAG variant is predicted to result in a frameshift and premature protein termination (p.Glu756Glyfs*14). To our knowledge, this variant has not been reported in the literature or in a large population database (gnomAD), indicating this variant is rare. Loss-of-function is not an established mechanism of FHOD3-related disease. At this time, the clinical significance of this variant is uncertain due to the absence of conclusive functional and genetic evidence.

NM_001281740.3(FHOD3):c.2267_2268del (p.Glu756fs)

Gene: FHOD3 (formin homology 2 domain containing 3; plus strand). Cytogenetic location: 18q12.2.
Variant type: Microsatellite.
Coding change: c.2267_2268del on transcript NM_001281740.3 (MANE Select); coding-DNA positions 2267 to 2268, 2 bases deleted (AG; older notation c.2267_2268delAG).
Protein change: p.Glu756fs; shifts the reading frame from glutamic acid 756.
Molecular consequence: frameshift variant.
Genome position (GRCh38, 1-based): chr18:36,709,125-36,709,126, AG deleted; deleting any 2 consecutive bases within chr18:36,709,123-36,709,126 gives the same sequence; the c. name uses the placement nearest the transcript's 3' end. VCF-style (leftmost placement, unchanged base first): chr18-36709122-CAG-C. GRCh37 (hg19) VCF-style: chr18-34289085-CAG-C.
Other names: c.1691_1692del, p.Glu564fs (NM_001281739.3); c.1742_1743del, p.Glu581fs (NM_025135.5); short protein forms E581fs, E564fs, E756fs.
Identifiers: ClinVar variation 4995034 (VCV004995034.1).